The following is an entry in ClinVar:

ClinVar aggregate classification (germline): Uncertain significance (1 of 4 stars; one submission).

Submission:

Ambry Genetics
Classification: Uncertain significance. Last evaluated: 2025-02-14. Review status: criteria provided, single submitter. Criteria: Ambry Variant Classification Scheme 2023. Collection method: clinical testing. Allele origin: germline.
Comment: The p.S657L variant (also known as c.1970C>T), located in coding exon 1 of the TET2 gene, results from a C to T substitution at nucleotide position 1970. The serine at codon 657 is replaced by leucine, an amino acid with dissimilar properties. This amino acid position is conserved. In addition, this alteration is predicted to be tolerated by in silico analysis. Based on the available evidence, the clinical significance of this variant remains unclear.

NM_001127208.3(TET2):c.1970C>T (p.Ser657Leu)

Genes: TET2 (tet methylcytosine dioxygenase 2; plus strand), TET2-AS1 (TET2 antisense RNA 1; minus strand). Cytogenetic location: 4q24.
Variant type: single nucleotide variant.
Coding change: c.1970C>T on transcript NM_001127208.3 (MANE Select); coding-DNA position 1970, C replaced by T.
Protein change: p.Ser657Leu; replaces serine 657 with leucine.
Molecular consequence: missense variant.
Genome position (GRCh38, 1-based): chr4:105,235,912, C>T. VCF-style: chr4-105235912-C-T. GRCh37 (hg19) VCF-style: chr4-106157069-C-T.
Other names: c.1970C>T, p.Ser657Leu (NM_017628.4); short protein forms S657L.
Identifiers: ClinVar variation 3806051 (VCV003806051.1).